The following is an entry in ClinVar:

NM_004304.5(ALK):c.1032C>G (p.His344Gln)

Gene: ALK (ALK receptor tyrosine kinase; minus strand). Cytogenetic location: 2p23.2.
Variant type: single nucleotide variant.
Coding change: c.1032C>G on transcript NM_004304.5 (MANE Select); coding-DNA position 1032, C replaced by G.
Protein change: p.His344Gln; replaces histidine 344 with glutamine.
Molecular consequence: missense variant.
Genome position (GRCh38, 1-based): chr2:29,532,037, G>C on the plus strand (C>G on the coding strand, the complement: ALK is on the minus strand). VCF-style: chr2-29532037-G-C. GRCh37 (hg19) VCF-style: chr2-29754903-G-C.
Other names: c.1032C>G (NM_004304.4); short protein forms H344Q.
Identifiers: ClinVar variation 2086197 (VCV002086197.5), dbSNP rs2148158695, ClinGen allele CA346587415.
Genomic context (GRCh38, chr2:29,532,037, plus strand): 5'-CTGGGCAATGTACCTTCCAGAGGGCTGCAGGTGCCTGTGCACCGAGACGGCCAGTGTGCA[G>C]TGCTCACTGCTGCTCCTCATCCACGGACTCAGGATGGTGTGCTTGGAGTCAGCTGAGGTG-3'
Protein context (NP_004295.2, residues 334-354): LSPWMRSSSE[His344Gln]CTLAVSVHRH

ClinVar aggregate classification (germline): Uncertain significance. Review status: criteria provided, multiple submitters, no conflicts (2 of 4 stars). 2 submissions from 2 submitters: Uncertain significance (2). Last evaluated 2024-06-29.

Conditions:
Neuroblastoma, susceptibility to, 3. Also called: ALK-Related Neuroblastic Tumor Susceptibility. Identifiers: Orphanet 635, MedGen C2751681, MONDO:0013083, OMIM 613014.
Hereditary cancer-predisposing syndrome. Also called: Hereditary Cancer Syndrome; Hereditary neoplastic syndrome; Neoplastic Syndromes, Hereditary; Tumor predisposition. Identifiers: Orphanet 140162, MedGen C0027672, MeSH D009386, MONDO:0015356.

gnomAD v4.1: 1 of 1,614,092 alleles (0.000062%); highest among the groups gnomAD compares: Non-Finnish European, 0.000085%; no homozygotes.

Submissions (2):

Ambry Genetics
Classification: Uncertain significance for Hereditary cancer-predisposing syndrome. Last evaluated: 2024-06-29. Review status: criteria provided, single submitter. Criteria: Ambry Variant Classification Scheme 2023. Collection method: clinical testing. Allele origin: germline.
Comment: The p.H344Q variant (also known as c.1032C>G), located in coding exon 4 of the ALK gene, results from a C to G substitution at nucleotide position 1032. The histidine at codon 344 is replaced by glutamine, an amino acid with highly similar properties. This amino acid position is conserved. In addition, this alteration is predicted to be tolerated by in silico analysis. Based on the available evidence, the clinical significance of this variant remains unclear.

Labcorp Genetics (formerly Invitae), Labcorp
Classification: Uncertain significance for Neuroblastoma, susceptibility to, 3. Last evaluated: 2022-04-19. Review status: criteria provided, single submitter. Criteria: Invitae Variant Classification Sherloc (09022015). Collection method: clinical testing. Allele origin: germline.
Comment: This variant has not been reported in the literature in individuals affected with ALK-related conditions. In summary, the available evidence is currently insufficient to determine the role of this variant in disease. Therefore, it has been classified as a Variant of Uncertain Significance. Algorithms developed to predict the effect of missense changes on protein structure and function are either unavailable or do not agree on the potential impact of this missense change (SIFT: "Deleterious"; PolyPhen-2: "Benign"; Align-GVGD: "Class C0"). This variant is not present in population databases (gnomAD no frequency). This sequence change replaces histidine, which is basic and polar, with glutamine, which is neutral and polar, at codon 344 of the ALK protein (p.His344Gln).